The following is an entry in ClinVar:

ClinVar aggregate classification (germline): Uncertain significance (1 of 4 stars; one submission).

Conditions:
Primary ciliary dyskinesia. Also called: Ciliary dyskinesia. Identifiers: Orphanet 244, MedGen C0008780, MONDO:0016575, HP:0012265.

Submission:

Labcorp Genetics (formerly Invitae), Labcorp
Classification: Uncertain significance for Primary ciliary dyskinesia. Last evaluated: 2020-06-22. Review status: criteria provided, single submitter. Criteria: Invitae Variant Classification Sherloc (09022015). Collection method: clinical testing. Allele origin: germline.
Comment: In summary, the available evidence is currently insufficient to determine the role of this variant in disease. Therefore, it has been classified as a Variant of Uncertain Significance. Algorithms developed to predict the effect of missense changes on protein structure and function are either unavailable or do not agree on the potential impact of this missense change (SIFT: "Deleterious"; PolyPhen-2: "Benign"; Align-GVGD: "Class C0"). This variant has not been reported in the literature in individuals with CCDC40-related conditions. This variant is not present in population databases (ExAC no frequency). This sequence change replaces glutamic acid with lysine at codon 14 of the CCDC40 protein (p.Glu14Lys). The glutamic acid residue is moderately conserved and there is a small physicochemical difference between glutamic acid and lysine.

NM_017950.4(CCDC40):c.40G>A (p.Glu14Lys)

Gene: CCDC40 (coiled-coil domain 40 molecular ruler complex subunit; plus strand). Cytogenetic location: 17q25.3.
Variant type: single nucleotide variant.
Coding change: c.40G>A on transcript NM_017950.4 (MANE Select); coding-DNA position 40, G replaced by A.
Protein change: p.Glu14Lys; replaces glutamic acid 14 with lysine.
Molecular consequence: missense variant.
Genome position (GRCh38, 1-based): chr17:80,038,133, G>A. VCF-style: chr17-80038133-G-A. GRCh37 (hg19) VCF-style: chr17-78011932-G-A.
Other names: c.40G>A, p.Glu14Lys (NM_001243342.2, NM_001330508.2); short protein forms E14K.
Identifiers: ClinVar variation 1051395 (VCV001051395.9), dbSNP rs2143570150, ClinGen allele CA401344944.